The following is an entry in ClinVar:

ClinVar aggregate classification (germline): Conflicting classifications of pathogenicity. Review status: criteria provided, conflicting classifications (1 of 4 stars). 2 submissions from 2 submitters: Uncertain significance (1); Benign (1). Last evaluated 2023-05-18.

Allele frequency attached by ClinVar (database versions not stated): gnomAD exomes 0.00002 and 0.00004; TOPMed 0.00002; ExAC 0.00004.
gnomAD v4.1: 24 of 1,614,050 alleles (0.0015%); highest among the groups gnomAD compares: South Asian, 0.015%; no homozygotes.

Submissions (2):

Labcorp Genetics (formerly Invitae), Labcorp
Classification: Benign. Last evaluated: 2023-05-18. Review status: criteria provided, single submitter. Criteria: Invitae Variant Classification Sherloc (09022015). Collection method: clinical testing. Allele origin: germline.

Women's Health and Genetics/Laboratory Corporation of America, LabCorp
Classification: Uncertain significance. Last evaluated: 2023-05-11. Review status: criteria provided, single submitter. Criteria: LabCorp Variant Classification Summary - May 2015. Collection method: clinical testing. Allele origin: germline.
Comment: Variant summary: NSD1 c.3220C>T (p.Arg1074Cys) results in a non-conservative amino acid change in the encoded protein sequence. Four of five in-silico tools predict a benign effect of the variant on protein function. The variant allele was found at a frequency of 3.6e-05 in 250766 control chromosomes (gnomAD). The available data on variant occurrences in the general population are insufficient to allow any conclusion about variant significance. To our knowledge, no occurrence of c.3220C>T in individuals affected with Sotos Syndrome 1 and no experimental evidence demonstrating its impact on protein function have been reported. One ClinVar submitter has assessed the variant since 2014: the variant was classified as benign. Based on the evidence outlined above, the variant was classified as uncertain significance.

NM_022455.5(NSD1):c.3220C>T (p.Arg1074Cys)

Gene: NSD1 (nuclear receptor binding SET domain protein 1; plus strand). Cytogenetic location: 5q35.3.
Variant type: single nucleotide variant.
Coding change: c.3220C>T on transcript NM_022455.5 (MANE Select); coding-DNA position 3220, C replaced by T.
Protein change: p.Arg1074Cys; replaces arginine 1074 with cysteine.
Molecular consequence: missense variant.
Genome position (GRCh38, 1-based): chr5:177,211,619, C>T. VCF-style: chr5-177211619-C-T. GRCh37 (hg19) VCF-style: chr5-176638620-C-T.
Other names: c.2347C>T, p.Arg783Cys (NM_001365684.2, NM_001409306.1, NM_001409307.1 and 3 more transcripts); c.3220C>T, p.Arg1074Cys (NM_001409301.1, NM_001409302.1, NM_001409303.1); c.2800C>T, p.Arg934Cys (NM_001409304.1); c.2467C>T, p.Arg823Cys (NM_001409305.1); short protein forms R1074C, R805C, R823C, R783C, R934C.
Identifiers: ClinVar variation 1449524 (VCV001449524.7), dbSNP rs775044010, ClinGen allele CA3577399.